The following is an entry in ClinVar:

NM_001364857.2(ADGRB2):c.4572+1G>A

Gene: ADGRB2 (adhesion G protein-coupled receptor B2; minus strand). Cytogenetic location: 1p35.2.
Variant type: single nucleotide variant.
Coding change: c.4572+1G>A on transcript NM_001364857.2 (MANE Select); the canonical splice donor site of the intron after coding-DNA position 4572, G replaced by A.
Molecular consequence: splice donor variant.
Genome position (GRCh38, 1-based): chr1:31,728,024, C>T on the plus strand (G>A on the coding strand, the complement: ADGRB2 is on the minus strand). VCF-style: chr1-31728024-C-T. GRCh37 (hg19) VCF-style: chr1-32193625-C-T.
Other names: c.4470+1G>A (NM_001294336.2); c.4569+1G>A (NM_001294335.2).
Identifiers: ClinVar variation 1513948 (VCV001513948.6), dbSNP rs748198072, ClinGen allele CA734985.

ClinVar aggregate classification (germline): Uncertain significance (1 of 4 stars; one submission).

Allele frequency attached by ClinVar (database versions not stated): TOPMed below 0.00001; gnomAD 0.00001; ExAC 0.00010.
gnomAD v4.1: 33 of 1,563,664 alleles (0.0021%); highest among the groups gnomAD compares: Non-Finnish European, 0.0026%; no homozygotes.

Submission:

Labcorp Genetics (formerly Invitae), Labcorp
Classification: Uncertain significance. Last evaluated: 2021-08-30. Review status: criteria provided, single submitter. Criteria: Invitae Variant Classification Sherloc (09022015). Collection method: clinical testing. Allele origin: germline.
Comment: This sequence change falls in intron 31 of the ADGRB2 gene. It does not directly change the encoded amino acid sequence of the ADGRB2 protein. It affects a nucleotide within the consensus splice site of the intron. This variant is present in population databases (rs748198072, ExAC 0.01%). This variant has not been reported in the literature in individuals affected with ADGRB2-related conditions. Variants that disrupt the consensus splice site are a relatively common cause of aberrant splicing (PMID: 17576681, 9536098). Algorithms developed to predict the effect of sequence changes on RNA splicing suggest that this variant may disrupt the consensus splice site. In summary, the available evidence is currently insufficient to determine the role of this variant in disease. Therefore, it has been classified as a Variant of Uncertain Significance.

Literature cited by the submitters: PubMed 17576681; PubMed 9536098.